The following is an entry in ClinVar:

NM_000051.4(ATM):c.776T>A (p.Leu259His)

Gene: ATM (ATM serine/threonine kinase; plus strand). Cytogenetic location: 11q22.3.
Variant type: single nucleotide variant.
Coding change: c.776T>A on transcript NM_000051.4 (MANE Select); coding-DNA position 776, T replaced by A.
Protein change: p.Leu259His; replaces leucine 259 with histidine.
Molecular consequence: missense variant.
Genome position (GRCh38, 1-based): chr11:108,244,901, T>A. VCF-style: chr11-108244901-T-A. GRCh37 (hg19) VCF-style: chr11-108115628-T-A.
Other names: c.776T>A, p.Leu259His (NM_001351834.2); short protein forms L259H.
Identifiers: ClinVar variation 630955 (VCV000630955.6), dbSNP rs1565371619, ClinGen allele CA382529325.

ClinVar aggregate classification (germline): Uncertain significance. Review status: criteria provided, multiple submitters, no conflicts (2 of 4 stars). 2 submissions from 2 submitters: Uncertain significance (2). Last evaluated 2024-05-10.

Conditions:
Hereditary cancer-predisposing syndrome. Also called: Tumor predisposition; Neoplastic Syndromes, Hereditary; Hereditary neoplastic syndrome; Hereditary Cancer Syndrome. Identifiers: Orphanet 140162, MedGen C0027672, MeSH D009386, MONDO:0015356.

Submissions (2):

Ambry Genetics
Classification: Uncertain significance for Hereditary cancer-predisposing syndrome. Last evaluated: 2024-05-10. Review status: criteria provided, single submitter. Criteria: Ambry Variant Classification Scheme 2023. Collection method: clinical testing. Allele origin: germline.
Comment: The p.L259H variant (also known as c.776T>A), located in coding exon 6 of the ATM gene, results from a T to A substitution at nucleotide position 776. The leucine at codon 259 is replaced by histidine, an amino acid with similar properties. This alteration was identified in an individual diagnosed with early onset cerebellar ataxia (Shakya S et al. Clin Genet, 2019 Dec;96:566-574). This amino acid position is well conserved in available vertebrate species. In addition, this alteration is predicted to be deleterious by in silico analysis. Based on the available evidence, the clinical significance of this variant remains unclear.

Color Diagnostics, LLC DBA Color Health
Classification: Uncertain significance for Hereditary cancer-predisposing syndrome. Last evaluated: 2023-12-05. Review status: criteria provided, single submitter. Criteria: ACMG Guidelines, 2015. Collection method: clinical testing. Allele origin: germline.
Comment: This missense variant replaces leucine with histidine at codon 259 of the ATM protein. Computational prediction is inconclusive regarding the impact of this variant on protein structure and function (internally defined REVEL score threshold 0.5 < inconclusive < 0.7, PMID: 27666373). To our knowledge, functional studies have not been reported for this variant. This variant has not been reported in individuals affected with ATM-related disorders in the literature. This variant has not been identified in the general population by the Genome Aggregation Database (gnomAD). The available evidence is insufficient to determine the role of this variant in disease conclusively. Therefore, this variant is classified as a Variant of Uncertain Significance.

Literature cited by the submitters: PubMed 31429931 (cited by Ambry Genetics).